The following is an entry in ClinVar:

ClinVar aggregate classification (germline): Benign (0 of 4 stars; one submission).

Conditions:
CASP12-related disorder. Also called: CASP12-related condition.

Allele frequency attached by ClinVar (database versions not stated): gnomAD exomes 0.00178; ExAC 0.00887; gnomAD 0.00925; TOPMed 0.00964; 1000 Genomes Project 0.01418; 1000 Genomes Project 30x 0.01468.

Submission:

PreventionGenetics, part of Exact Sciences
Classification: Benign for CASP12-related condition. Last evaluated: 2020-02-26. Review status: no assertion criteria provided. Collection method: clinical testing. Allele origin: germline.
Comment: This variant is classified as benign based on ACMG/AMP sequence variant interpretation guidelines (Richards et al. 2015 PMID: 25741868, with internal and published modifications).

NM_001191016.3(CASP12):c.577G>A (p.Asp193Asn)

Gene: CASP12 (caspase 12 (gene/pseudogene); minus strand). Cytogenetic location: 11q22.3.
Variant type: single nucleotide variant.
Coding change: c.577G>A on transcript NM_001191016.3 (MANE Select); coding-DNA position 577, G replaced by A.
Protein change: p.Asp193Asn; replaces aspartic acid 193 with asparagine.
Molecular consequence: missense variant. On other transcripts: non-coding transcript variant (4).
Genome position (GRCh38, 1-based): chr11:104,891,260, C>T on the plus strand (G>A on the coding strand, the complement: CASP12 is on the minus strand). VCF-style: chr11-104891260-C-T. GRCh37 (hg19) VCF-style: chr11-104761987-C-T.
Other names: short protein forms D193N.
Identifiers: ClinVar variation 3056983 (VCV003056983.2), dbSNP rs140309344, ClinGen allele CA6256363.